The following is an entry in ClinVar:

ClinVar aggregate classification (germline): Uncertain significance (1 of 4 stars; one submission).

Submission:

Labcorp Genetics (formerly Invitae), Labcorp
Classification: Uncertain significance. Last evaluated: 2024-10-08. Review status: criteria provided, single submitter. Criteria: Invitae Variant Classification Sherloc (09022015). Collection method: clinical testing. Allele origin: germline.
Comment: This sequence change replaces arginine, which is basic and polar, with tryptophan, which is neutral and slightly polar, at codon 128 of the STUB1 protein (p.Arg128Trp). This variant is not present in population databases (gnomAD no frequency). This variant has not been reported in the literature in individuals affected with STUB1-related conditions. Invitae Evidence Modeling of protein sequence and biophysical properties (such as structural, functional, and spatial information, amino acid conservation, physicochemical variation, residue mobility, and thermodynamic stability) indicates that this missense variant is not expected to disrupt STUB1 protein function with a negative predictive value of 80%. In summary, the available evidence is currently insufficient to determine the role of this variant in disease. Therefore, it has been classified as a Variant of Uncertain Significance.

NM_005861.4(STUB1):c.382C>T (p.Arg128Trp)

Gene: STUB1 (STIP1 homology and U-box containing protein 1; plus strand). Cytogenetic location: 16p13.3.
Variant type: single nucleotide variant.
Coding change: c.382C>T on transcript NM_005861.4 (MANE Select); coding-DNA position 382, C replaced by T.
Protein change: p.Arg128Trp; replaces arginine 128 with tryptophan.
Molecular consequence: missense variant.
Genome position (GRCh38, 1-based): chr16:681,461, C>T. VCF-style: chr16-681461-C-T. GRCh37 (hg19) VCF-style: chr16-731461-C-T.
Other names: c.166C>T, p.Arg56Trp (NM_001293197.2); short protein forms R128W, R56W.
Identifiers: ClinVar variation 2842367 (VCV002842367.3), dbSNP rs2543804995, ClinGen allele CA394111996.